The following is an entry in ClinVar:

NM_015100.4(POGZ):c.2451C>T (p.Cys817=)

Gene: POGZ (pogo transposable element derived with ZNF domain; minus strand). Cytogenetic location: 1q21.3.
Variant type: single nucleotide variant.
Coding change: c.2451C>T on transcript NM_015100.4 (MANE Select); coding-DNA position 2451, C replaced by T.
Protein change: p.Cys817=; no amino-acid change (cysteine 817 retained).
Molecular consequence: synonymous variant.
Genome position (GRCh38, 1-based): chr1:151,407,005, G>A on the plus strand (C>T on the coding strand, the complement: POGZ is on the minus strand). VCF-style: chr1-151407005-G-A. GRCh37 (hg19) VCF-style: chr1-151379481-G-A.
Other names: c.2424C>T, p.Cys808= (NM_001194937.2); c.2265C>T, p.Cys755= (NM_001194938.2); c.2166C>T, p.Cys722= (NM_145796.4); c.2292C>T, p.Cys764= (NM_207171.2).
Identifiers: ClinVar variation 708512 (VCV000708512.34), dbSNP rs778929923, ClinGen allele CA1091166.

ClinVar aggregate classification (germline): Benign/Likely benign. Review status: criteria provided, multiple submitters, no conflicts (2 of 4 stars). 8 submissions from 8 submitters: Benign (1); Likely benign (6). 1 of the submissions does not count toward it. Last evaluated 2024-11-20.

Conditions:
POGZ-related disorder. Also called: POGZ-related condition.
Intellectual disability-microcephaly-strabismus-behavioral abnormalities syndrome. Also called: White-Sutton Syndrome. Identifiers: Orphanet 468678, MedGen C4225351, MONDO:0014606, OMIM 616364.
Inborn genetic diseases. Identifiers: MedGen C0950123, MeSH D030342.

Allele frequency attached by ClinVar (database versions not stated): gnomAD 0.00008 and 0.00009; gnomAD exomes 0.00009 and 0.00010; ExAC 0.00010; TOPMed 0.00011.

Submissions (8):

Blueprint Genetics
Classification: Likely benign. Last evaluated: 2024-11-20. Review status: criteria provided, single submitter. Criteria: ACMG Guidelines, 2015. Collection method: clinical testing. Allele origin: germline.

Genome-Nilou Lab
Classification: Likely benign for Intellectual disability-microcephaly-strabismus-behavioral abnormalities syndrome. Last evaluated: 2023-04-11. Review status: criteria provided, single submitter. Criteria: ACMG Guidelines, 2015. Collection method: clinical testing. Allele origin: germline. Affected: no.

CeGaT Center for Human Genetics Tuebingen
Classification: Likely benign. Last evaluated: 2022-09-01. Review status: criteria provided, single submitter. Criteria: CeGaT Center For Human Genetics Tuebingen Variant Classification Criteria Version 2. Collection method: clinical testing. Allele origin: germline. Affected: yes. Observed: 1 variant allele.
Comment: POGZ: BP4, BP7, BS2

GeneDx
Classification: Likely benign. Last evaluated: 2020-12-01. Review status: criteria provided, single submitter. Criteria: GeneDx Variant Classification Process June 2021. Collection method: clinical testing. Allele origin: germline. Affected: yes.

Ambry Genetics
Classification: Benign for Inborn genetic diseases. Last evaluated: 2019-04-05. Review status: criteria provided, single submitter. Criteria: Ambry Variant Classification Scheme 2023. Collection method: clinical testing. Allele origin: germline.

Labcorp Genetics (formerly Invitae), Labcorp
Classification: Likely benign. Last evaluated: 2018-03-30. Review status: criteria provided, single submitter. Criteria: Invitae Variant Classification Sherloc (09022015). Collection method: clinical testing. Allele origin: germline.

Breakthrough Genomics
Classification: Likely benign. Review status: criteria provided, single submitter. Criteria: ACMG Guidelines, 2015. Collection method: not provided. Allele origin: germline. Inheritance: Autosomal dominant inheritance. Affected: yes.

PreventionGenetics, part of Exact Sciences
Classification: Likely benign for POGZ-related condition. Last evaluated: 2024-03-24. Review status: no assertion criteria provided. Collection method: clinical testing. Allele origin: germline. Not counted in ClinVar's aggregate classification.
Comment: This variant is classified as likely benign based on ACMG/AMP sequence variant interpretation guidelines (Richards et al. 2015 PMID: 25741868, with internal and published modifications).